The following is an entry in ClinVar:

NM_004369.4(COL6A3):c.2671G>C (p.Asp891His)

Gene: COL6A3 (collagen type VI alpha 3 chain; minus strand). Cytogenetic location: 2q37.3.
Variant type: single nucleotide variant.
Coding change: c.2671G>C on transcript NM_004369.4 (MANE Select); coding-DNA position 2671, G replaced by C.
Protein change: p.Asp891His; replaces aspartic acid 891 with histidine.
Molecular consequence: missense variant.
Genome position (GRCh38, 1-based): chr2:237,377,171, C>G on the plus strand (G>C on the coding strand, the complement: COL6A3 is on the minus strand). VCF-style: chr2-237377171-C-G. GRCh37 (hg19) VCF-style: chr2-238285814-C-G.
Other names: c.1450G>C, p.Asp484His (NM_057164.5); c.2053G>C, p.Asp685His (NM_057165.5, NM_057167.4); c.850G>C, p.Asp284His (NM_057166.5); short protein forms D484H, D685H, D891H, D284H.
Identifiers: ClinVar variation 2960459 (VCV002960459.3), dbSNP rs2469914172, ClinGen allele CA351211013.

ClinVar aggregate classification (germline): Uncertain significance (1 of 4 stars; one submission).

Conditions:
Bethlem myopathy 1A. Also called: MYOPATHY, BENIGN CONGENITAL, WITH CONTRACTURES; Bethlem myopathy 1; Bethlem Muscular Dystrophy. Identifiers: Orphanet 610, MedGen CN029274, MONDO:0024530, OMIM 158810.

Submission:

Labcorp Genetics (formerly Invitae), Labcorp
Classification: Uncertain significance for Bethlem myopathy 1A. Last evaluated: 2023-08-04. Review status: criteria provided, single submitter. Criteria: Invitae Variant Classification Sherloc (09022015). Collection method: clinical testing. Allele origin: germline.
Comment: This variant has not been reported in the literature in individuals affected with COL6A3-related conditions. In summary, the available evidence is currently insufficient to determine the role of this variant in disease. Therefore, it has been classified as a Variant of Uncertain Significance. Advanced modeling of protein sequence and biophysical properties (such as structural, functional, and spatial information, amino acid conservation, physicochemical variation, residue mobility, and thermodynamic stability) performed at Invitae indicates that this missense variant is not expected to disrupt COL6A3 protein function. This variant is not present in population databases (gnomAD no frequency). This sequence change replaces aspartic acid, which is acidic and polar, with histidine, which is basic and polar, at codon 891 of the COL6A3 protein (p.Asp891His).